The following is an entry in ClinVar:

ClinVar aggregate classification (germline): Pathogenic (1 of 4 stars; one submission).

Conditions:
Nemaline myopathy 2 (NEM2). Also called: Nemaline myopathy 2, autosomal recessive. Identifiers: MedGen C1850569, MONDO:0009725, OMIM 256030.

Submission:

Labcorp Genetics (formerly Invitae), Labcorp
Classification: Pathogenic for Nemaline myopathy 2. Last evaluated: 2022-08-05. Review status: criteria provided, single submitter. Criteria: Invitae Variant Classification Sherloc (09022015). Collection method: clinical testing. Allele origin: germline.
Comment: This variant occurs in a region of NEB (Exons 82-105) consisting of three highly homologous 8-exon repeat units (exons 82-89, exons 90-97, exons 98-105). Sequence variants in this region can be detected, but this assay cannot determine which of the three repeat units is affected, and zygosity is often ambiguous. All variants in this region are reported relative to the exon 82-89 repeat. For these reasons, this variant has been classified as Pathogenic. This variant has not been reported in the literature in individuals affected with NEB-related conditions. The frequency data for this variant in the population databases (gnomAD) is considered unreliable due to the presence of homologous sequence, such as pseudogenes or paralogs, in the genome. This sequence change creates a premature translational stop signal (p.Glu4361*) in the NEB gene. It is expected to result in an absent or disrupted protein product. Loss-of-function variants in NEB are known to be pathogenic (PMID: 25205138).

Literature cited by the submitters: PubMed 25205138.

NM_001164508.2(NEB):c.13081G>T (p.Glu4361Ter)

Gene: NEB (nebulin; minus strand). Cytogenetic location: 2q23.3.
Variant type: single nucleotide variant.
Coding change: c.13081G>T on transcript NM_001164508.2 (MANE Select); coding-DNA position 13081, G replaced by T.
Protein change: p.Glu4361Ter; replaces glutamic acid 4361 with a stop codon.
Molecular consequence: nonsense. On other transcripts: intron variant (1).
Genome position (GRCh38, 1-based): chr2:151,603,751, C>A on the plus strand (G>T on the coding strand, the complement: NEB is on the minus strand). VCF-style: chr2-151603751-C-A. GRCh37 (hg19) VCF-style: chr2-152460265-C-A.
Other names: c.13081G>T, p.Glu4361Ter (NM_001164507.2, NM_001271208.2); c.11601+6058G>T (NM_004543.5); short protein forms E4361*.
Identifiers: ClinVar variation 2021973 (VCV002021973.4), dbSNP rs202017360, ClinGen allele CA348772595.
Genomic context (GRCh38, chr2:151,603,751, plus strand): 5'-TCTTCACTCTCATCACTTCCACAGAACCCTCTGGCAGCCATCCAATACCCTTCAGCCATT[C>A]CAGGTCTGACTTGTACAAGTTCTACATGAAGGAGAGGAACACAGAGTGGGGAAGAGTCAA-3'